The following is an entry in ClinVar:

ClinVar aggregate classification (germline): Uncertain significance (1 of 4 stars; one submission).

Conditions:
Adams-Oliver syndrome 5 (AOS5). Identifiers: Orphanet 974, MedGen C4014970, MONDO:0014459, OMIM 616028.

Allele frequency attached by ClinVar (database versions not stated): gnomAD exomes below 0.00001; TOPMed below 0.00001.
gnomAD v4.1: 2 of 1,611,938 alleles (0.00012%); highest among the groups gnomAD compares: African/African-American, 0.0013%; no homozygotes.

Submission:

Labcorp Genetics (formerly Invitae), Labcorp
Classification: Uncertain significance for Adams-Oliver syndrome 5. Last evaluated: 2023-03-20. Review status: criteria provided, single submitter. Criteria: Invitae Variant Classification Sherloc (09022015). Collection method: clinical testing. Allele origin: germline.
Comment: In summary, the available evidence is currently insufficient to determine the role of this variant in disease. Therefore, it has been classified as a Variant of Uncertain Significance. Advanced modeling of protein sequence and biophysical properties (such as structural, functional, and spatial information, amino acid conservation, physicochemical variation, residue mobility, and thermodynamic stability) performed at Invitae indicates that this missense variant is not expected to disrupt NOTCH1 protein function. This variant has not been reported in the literature in individuals affected with NOTCH1-related conditions. This variant is not present in population databases (gnomAD no frequency). This sequence change replaces alanine, which is neutral and non-polar, with threonine, which is neutral and polar, at codon 1967 of the NOTCH1 protein (p.Ala1967Thr).

NM_017617.5(NOTCH1):c.5899G>A (p.Ala1967Thr)

Gene: NOTCH1 (notch receptor 1; minus strand). Cytogenetic location: 9q34.3.
Variant type: single nucleotide variant.
Coding change: c.5899G>A on transcript NM_017617.5 (MANE Select); coding-DNA position 5899, G replaced by A.
Protein change: p.Ala1967Thr; replaces alanine 1967 with threonine.
Molecular consequence: missense variant.
Genome position (GRCh38, 1-based): chr9:136,500,587, C>T on the plus strand (G>A on the coding strand, the complement: NOTCH1 is on the minus strand). VCF-style: chr9-136500587-C-T. GRCh37 (hg19) VCF-style: chr9-139395039-C-T.
Other names: short protein forms A1967T.
Identifiers: ClinVar variation 2911004 (VCV002911004.3), dbSNP rs1842979645, ClinGen allele CA375636446.